The following is an entry in ClinVar:

ClinVar aggregate classification (germline): Likely pathogenic (1 of 4 stars; one submission).

Conditions:
Myofibrillar myopathy 10. Identifiers: MedGen C5436656, MONDO:0033620, OMIM 619040.

gnomAD v4.1: 1 of 1,613,454 alleles (0.000062%); highest among the groups gnomAD compares: Non-Finnish European, 0.000085%; no homozygotes.

Submission:

First Genomix Gene Laboratory, Genetic Diagnostics Department
Classification: Likely pathogenic for Myofibrillar myopathy 10. Last evaluated: 2025-05-05. Review status: criteria provided, single submitter. Criteria: ACMG Guidelines, 2015. Collection method: clinical testing. Allele origin: germline. Inheritance: Autosomal recessive inheritance. Affected: no. Observed: 1 variant allele.

NM_021738.3(SVIL):c.3164-2A>G

Gene: SVIL (supervillin; minus strand). Cytogenetic location: 10p11.23.
Variant type: single nucleotide variant.
Coding change: c.3164-2A>G on transcript NM_021738.3 (MANE Select); the canonical splice acceptor site of the intron before coding-DNA position 3164, A replaced by G.
Molecular consequence: splice acceptor variant.
Genome position (GRCh38, 1-based): chr10:29,522,637, T>C on the plus strand (A>G on the coding strand, the complement: SVIL is on the minus strand). VCF-style: chr10-29522637-T-C. GRCh37 (hg19) VCF-style: chr10-29811566-T-C.
Other names: c.2234-2A>G (NM_001323599.2); c.1982-2A>G (NM_001323600.1); c.1886-2A>G (NM_003174.3).
Identifiers: ClinVar variation 4845896 (VCV004845896.1).